The following is an entry in ClinVar:

ClinVar aggregate classification (germline): Benign. Review status: criteria provided, multiple submitters, no conflicts (2 of 4 stars). 5 submissions from 5 submitters: Benign (5). Last evaluated 2026-01-20.

Allele frequency attached by ClinVar (database versions not stated): ESP Exome Variant Server 0.00092; gnomAD exomes 0.00347 and 0.00902; gnomAD 0.00494 and 0.00526; TOPMed 0.00582; ExAC 0.00769; 1000 Genomes Project 0.00839; 1000 Genomes Project 30x 0.00843.
gnomAD v4.1: 5,804 of 1,595,588 alleles (0.36%); highest among the groups gnomAD compares: East Asian, 4.5%; 104 homozygotes.

Submissions (5):

Labcorp Genetics (formerly Invitae), Labcorp
Classification: Benign. Last evaluated: 2026-01-20. Review status: criteria provided, single submitter. Criteria: Invitae Variant Classification Sherloc (09022015). Collection method: clinical testing. Allele origin: germline.

Mayo Clinic Laboratories, Mayo Clinic
Classification: Benign. Last evaluated: 2021-11-22. Review status: criteria provided, single submitter. Criteria: ACMG Guidelines, 2015. Collection method: clinical testing. Allele origin: germline. Observed: 2 variant alleles.
Comment: BA1, BS2

Athena Diagnostics
Classification: Benign. Last evaluated: 2021-05-24. Review status: criteria provided, single submitter. Criteria: Athena Diagnostics criteria. Collection method: clinical testing. Allele origin: unknown.

GeneDx
Classification: Benign. Last evaluated: 2017-12-28. Review status: criteria provided, single submitter. Criteria: GeneDx Variant Classification (06012015). Collection method: clinical testing. Allele origin: germline. Affected: yes.
Comment: This variant is considered likely benign or benign based on one or more of the following criteria: it is a conservative change, it occurs at a poorly conserved position in the protein, it is predicted to be benign by multiple in silico algorithms, and/or has population frequency not consistent with disease.

Breakthrough Genomics
Classification: Benign. Review status: criteria provided, single submitter. Criteria: ACMG Guidelines, 2015. Collection method: not provided. Allele origin: germline. Inheritance: Autosomal dominant inheritance. Affected: yes.

NM_144498.4(OSBPL2):c.872+8C>T

Gene: OSBPL2 (oxysterol binding protein like 2; plus strand). Cytogenetic location: 20q13.33.
Variant type: single nucleotide variant.
Coding change: c.872+8C>T on transcript NM_144498.4 (MANE Select); 8 bases into the intron after coding-DNA position 872, C replaced by T.
Molecular consequence: intron variant.
Genome position (GRCh38, 1-based): chr20:62,281,887, C>T. VCF-style: chr20-62281887-C-T. GRCh37 (hg19) VCF-style: chr20-60856943-C-T.
Other names: p.?; c.596+8C>T (NM_001363878.2, NM_001278649.3); c.836+8C>T (NM_014835.5); c.872+8C>T (NM_144498.3).
Identifiers: ClinVar variation 508584 (VCV000508584.14), dbSNP rs2274939, ClinGen allele CA9938581.
Genomic context (GRCh38, chr20:62,281,887, plus strand): 5'-GGATTATTTGGAAAAGAACTTCACAAGGTGGAAGGACACATTCAAGACAAAAAGTAGGTC[C>T]TTGCCAAGTGTTCATGGGGCACCACTACAGCCTGTGTGTCCACGTTAGAAGGGCTCAGGT-3'